The following is an entry in ClinVar:

NM_006031.6(PCNT):c.5891C>T (p.Ala1964Val)

Gene: PCNT (pericentrin; plus strand). Cytogenetic location: 21q22.3.
Variant type: single nucleotide variant.
Coding change: c.5891C>T on transcript NM_006031.6 (MANE Select); coding-DNA position 5891, C replaced by T.
Protein change: p.Ala1964Val; replaces alanine 1964 with valine.
Molecular consequence: missense variant.
Genome position (GRCh38, 1-based): chr21:46,411,964, C>T. VCF-style: chr21-46411964-C-T. GRCh37 (hg19) VCF-style: chr21-47831878-C-T.
Other names: c.5537C>T, p.Ala1846Val (NM_001315529.2); short protein forms A1964V, A1846V.
Identifiers: ClinVar variation 3210374 (VCV003210374.3), dbSNP rs760642168, ClinGen allele CA10080116.

ClinVar aggregate classification (germline): Uncertain significance. Review status: criteria provided, multiple submitters, no conflicts (2 of 4 stars). 3 submissions from 3 submitters: Uncertain significance (2). 1 of the submissions does not count toward it. Last evaluated 2025-04-21.

Conditions:
Inborn genetic diseases. Identifiers: MedGen C0950123, MeSH D030342.
PCNT-related disorder. Also called: PCNT-related condition.

Allele frequency attached by ClinVar (database versions not stated): gnomAD exomes 0.00001; ExAC 0.00003; gnomAD 0.00006; TOPMed 0.00008.
gnomAD v4.1: 19 of 1,600,062 alleles (0.0012%); highest among the groups gnomAD compares: African/African-American, 0.017%; no homozygotes.

Submissions (3):

Labcorp Genetics (formerly Invitae), Labcorp
Classification: Uncertain significance. Last evaluated: 2025-04-21. Review status: criteria provided, single submitter. Criteria: Invitae Variant Classification Sherloc (09022015). Collection method: clinical testing. Allele origin: germline.
Comment: This sequence change replaces alanine, which is neutral and non-polar, with valine, which is neutral and non-polar, at codon 1964 of the PCNT protein (p.Ala1964Val). This variant is present in population databases (rs760642168, gnomAD 0.02%). This variant has not been reported in the literature in individuals affected with PCNT-related conditions. ClinVar contains an entry for this variant (Variation ID: 3210374). An algorithm developed to predict the effect of missense changes on protein structure and function outputs the following: PolyPhen-2: "Benign". The valine amino acid residue is found in multiple mammalian species, which suggests that this missense change does not adversely affect protein function. In summary, the available evidence is currently insufficient to determine the role of this variant in disease. Therefore, it has been classified as a Variant of Uncertain Significance.

Ambry Genetics
Classification: Uncertain significance for Inborn genetic diseases. Last evaluated: 2023-11-28. Review status: criteria provided, single submitter. Criteria: Ambry Variant Classification Scheme 2023. Collection method: clinical testing. Allele origin: germline.

PreventionGenetics, part of Exact Sciences
Classification: Uncertain significance for PCNT-related condition. Last evaluated: 2024-05-28. Review status: no assertion criteria provided. Collection method: clinical testing. Allele origin: germline. Not counted in ClinVar's aggregate classification.
Comment: The PCNT c.5891C>T variant is predicted to result in the amino acid substitution p.Ala1964Val. To our knowledge, this variant has not been reported in the literature. This variant is reported in 0.022% of alleles in individuals of African descent in gnomAD. At this time, the clinical significance of this variant is uncertain due to the absence of conclusive functional and genetic evidence.